The following is an entry in ClinVar:

NM_001696.4(ATP6V1E1):c.230A>G (p.Asn77Ser)

Gene: ATP6V1E1 (ATPase H+ transporting V1 subunit E1; minus strand). Cytogenetic location: 22q11.21.
Variant type: single nucleotide variant.
Coding change: c.230A>G on transcript NM_001696.4 (MANE Select); coding-DNA position 230, A replaced by G.
Protein change: p.Asn77Ser; replaces asparagine 77 with serine.
Molecular consequence: missense variant.
Genome position (GRCh38, 1-based): chr22:17,612,858, T>C on the plus strand (A>G on the coding strand, the complement: ATP6V1E1 is on the minus strand). VCF-style: chr22-17612858-T-C. GRCh37 (hg19) VCF-style: chr22-18095624-T-C.
Other names: c.164A>G, p.Asn55Ser (NM_001039366.1); c.230A>G, p.Asn77Ser (NM_001039367.1); short protein forms N55S, N77S.
Identifiers: ClinVar variation 1921344 (VCV001921344.3), dbSNP rs759972810, ClinGen allele CA10090171.

ClinVar aggregate classification (germline): Uncertain significance (1 of 4 stars; one submission).

Allele frequency attached by ClinVar (database versions not stated): ExAC 0.00001; gnomAD exomes 0.00001; TOPMed 0.00002; gnomAD 0.00003.
gnomAD v4.1: 19 of 1,610,140 alleles (0.0012%); highest among the groups gnomAD compares: African/African-American, 0.0027%; no homozygotes.

Submission:

Labcorp Genetics (formerly Invitae), Labcorp
Classification: Uncertain significance. Last evaluated: 2022-05-17. Review status: criteria provided, single submitter. Criteria: Invitae Variant Classification Sherloc (09022015). Collection method: clinical testing. Allele origin: germline.
Comment: This sequence change replaces asparagine, which is neutral and polar, with serine, which is neutral and polar, at codon 77 of the ATP6V1E1 protein (p.Asn77Ser). This variant is present in population databases (rs759972810, gnomAD 0.002%). This variant has not been reported in the literature in individuals affected with ATP6V1E1-related conditions. Algorithms developed to predict the effect of missense changes on protein structure and function (SIFT, PolyPhen-2, Align-GVGD) all suggest that this variant is likely to be disruptive. In summary, the available evidence is currently insufficient to determine the role of this variant in disease. Therefore, it has been classified as a Variant of Uncertain Significance.